The following is an entry in ClinVar:

ClinVar aggregate classification (germline): Uncertain significance (1 of 4 stars; one submission).

Conditions:
Long QT syndrome (LQTS). Identifiers: MedGen C0023976, MeSH D008133, MONDO:0002442. Disease mechanism: loss of function. Inheritance: Various modes of inheritance.

Submission:

Labcorp Genetics (formerly Invitae), Labcorp
Classification: Uncertain significance for Long QT syndrome. Last evaluated: 2025-07-02. Review status: criteria provided, single submitter. Criteria: Invitae Variant Classification Sherloc (09022015). Collection method: clinical testing. Allele origin: germline.
Comment: This sequence change replaces glutamic acid, which is acidic and polar, with glutamine, which is neutral and polar, at codon 1053 of the KCNH2 protein (p.Glu1053Gln). This variant is not present in population databases (gnomAD no frequency). This variant has not been reported in the literature in individuals affected with KCNH2-related conditions. ClinVar contains an entry for this variant (Variation ID: 3703508). An algorithm developed to predict the effect of missense changes on protein structure and function (PolyPhen-2) suggests that this variant is likely to be disruptive. In summary, the available evidence is currently insufficient to determine the role of this variant in disease. Therefore, it has been classified as a Variant of Uncertain Significance.

NM_000238.4(KCNH2):c.3157G>C (p.Glu1053Gln)

Gene: KCNH2 (potassium voltage-gated channel subfamily H member 2; minus strand). Cytogenetic location: 7q36.1.
Variant type: single nucleotide variant.
Coding change: c.3157G>C on transcript NM_000238.4 (MANE Select); coding-DNA position 3157, G replaced by C.
Protein change: p.Glu1053Gln; replaces glutamic acid 1053 with glutamine.
Molecular consequence: missense variant. On other transcripts: non-coding transcript variant (2).
Genome position (GRCh38, 1-based): chr7:150,947,050, C>G on the plus strand (G>C on the coding strand, the complement: KCNH2 is on the minus strand). VCF-style: chr7-150947050-C-G. GRCh37 (hg19) VCF-style: chr7-150644138-C-G.
Other names: c.2869G>C, p.Glu957Gln (NM_001406753.1); c.2137G>C, p.Glu713Gln (NM_172057.3); short protein forms E1053Q, E713Q, E957Q.
Identifiers: ClinVar variation 3703508 (VCV003703508.2).
Genomic context (GRCh38, chr7:150,947,050, plus strand): 5'-GCGTCATCTGCCTCTGTAGCAGCTGCAGGACAGTGGCCATGTCTGCACTCAGCCGGGTCT[C>G]CAGCCTGGGGCAGGAAGTGGGGGATGCTCAGAGAAGTGGGGACACCAGTGACAGCCTCCA-3'
Protein context (NP_000229.1, residues 1043-1063): DALQRQLNRL[Glu1053Gln]TRLSADMATV